The following is an entry in ClinVar:

ClinVar aggregate classification (germline): Uncertain significance (1 of 4 stars; one submission).

Conditions:
Hereditary cancer-predisposing syndrome. Also called: Neoplastic Syndromes, Hereditary; Tumor predisposition; Hereditary neoplastic syndrome; Hereditary Cancer Syndrome. Identifiers: Orphanet 140162, MedGen C0027672, MeSH D009386, MONDO:0015356.

Submission:

Ambry Genetics
Classification: Uncertain significance for Hereditary cancer-predisposing syndrome. Last evaluated: 2024-02-11. Review status: criteria provided, single submitter. Criteria: Ambry Variant Classification Scheme 2023. Collection method: clinical testing. Allele origin: germline.
Comment: The p.K327N variant (also known as c.981G>C), located in coding exon 9 of the APC gene, results from a G to C substitution at nucleotide position 981. The lysine at codon 327 is replaced by asparagine, an amino acid with similar properties. This amino acid position is conserved. In addition, in silico predictors for this gene do not accurately predict pathogenicity. Based on the available evidence, the clinical significance of this alteration remains unclear.

NM_000038.6(APC):c.981G>C (p.Lys327Asn)

Gene: APC (APC regulator of Wnt signaling pathway; plus strand). Cytogenetic location: 5q22.2.
Variant type: single nucleotide variant.
Coding change: c.981G>C on transcript NM_000038.6 (MANE Select); coding-DNA position 981, G replaced by C.
Protein change: p.Lys327Asn; replaces lysine 327 with asparagine.
Molecular consequence: missense variant. On other transcripts: non-coding transcript variant (2), intron variant (15).
Genome position (GRCh38, 1-based): chr5:112,819,013, G>C. VCF-style: chr5-112819013-G-C. GRCh37 (hg19) VCF-style: chr5-112154710-G-C.
Other names: c.981G>C, p.Lys327Asn (NM_001127510.3, NM_001354895.2, NM_001354896.2 and 4 more transcripts); c.927G>C, p.Lys309Asn (NM_001127511.3); c.1011G>C, p.Lys337Asn (NM_001354897.2, NM_001407446.1); c.906G>C, p.Lys302Asn (NM_001354898.2, NM_001407451.1); c.897G>C, p.Lys299Asn (NM_001354899.2, NM_001407452.1); c.804G>C, p.Lys268Asn (NM_001354900.2, NM_001354901.2, NM_001407453.1); c.132G>C, p.Lys44Asn (NM_001354906.2, NM_001407470.1); c.85-256G>C (NM_001407472.1, NM_001407471.1); and 5 more; short protein forms K268N, K299N, K302N, K309N, K327N, K337N, K44N.
Identifiers: ClinVar variation 3231892 (VCV003231892.1), dbSNP rs2149779316, ClinGen allele CA16023457.